The following is an entry in ClinVar:

NM_001348323.3(TRIP12):c.2696T>C (p.Met899Thr)

Gene: TRIP12 (thyroid hormone receptor interactor 12; minus strand). Cytogenetic location: 2q36.3.
Variant type: single nucleotide variant.
Coding change: c.2696T>C on transcript NM_001348323.3 (MANE Select); coding-DNA position 2696, T replaced by C.
Protein change: p.Met899Thr; replaces methionine 899 with threonine.
Molecular consequence: missense variant.
Genome position (GRCh38, 1-based): chr2:229,804,182, A>G on the plus strand (T>C on the coding strand, the complement: TRIP12 is on the minus strand). VCF-style: chr2-229804182-A-G. GRCh37 (hg19) VCF-style: chr2-230668898-A-G.
Other names: c.2615T>C, p.Met872Thr (NM_001284214.2, NM_001348315.2); c.2570T>C, p.Met857Thr (NM_001284215.2, NM_001348316.2, NM_001348317.1 and 1 more transcripts); c.1661T>C, p.Met554Thr (NM_001284216.2); c.2696T>C, p.Met899Thr (NM_001348319.1, NM_001348320.2, NM_001348322.1 and 4 more transcripts); c.2699T>C, p.Met900Thr (NM_001348321.1, NM_001348328.1, NM_001348329.2 and 1 more transcripts); c.2489T>C, p.Met830Thr (NM_001348331.1); c.2609T>C, p.Met870Thr (NM_001348332.1); c.2618T>C, p.Met873Thr (NM_001348333.1); and 1 more; short protein forms M554T, M824T, M830T, M857T, M870T, M872T, M873T, M899T.
Identifiers: ClinVar variation 3366237 (VCV003366237.2).

ClinVar aggregate classification (germline): Uncertain significance (1 of 4 stars; one submission).

gnomAD v4.1: 2 of 1,614,112 alleles (0.00012%); highest among the groups gnomAD compares: Admixed American, 0.0017%; no homozygotes.

Submission:

GeneDx
Classification: Uncertain significance. Last evaluated: 2025-03-05. Review status: criteria provided, single submitter. Criteria: GeneDx Variant Classification Process June 2021. Collection method: clinical testing. Allele origin: germline.
Comment: Not observed at significant frequency in large population cohorts (gnomAD); In silico analysis supports that this missense variant has a deleterious effect on protein structure/function; Has not been previously published as pathogenic or benign to our knowledge